The following is an entry in ClinVar:

NM_005591.4(MRE11):c.895A>G (p.Ile299Val)

Gene: MRE11 (MRE11 double strand break repair nuclease; minus strand). Cytogenetic location: 11q21.
Variant type: single nucleotide variant.
Coding change: c.895A>G on transcript NM_005591.4 (MANE Select); coding-DNA position 895, A replaced by G.
Protein change: p.Ile299Val; replaces isoleucine 299 with valine.
Molecular consequence: missense variant.
Genome position (GRCh38, 1-based): chr11:94,470,593, T>C on the plus strand (A>G on the coding strand, the complement: MRE11 is on the minus strand). VCF-style: chr11-94470593-T-C. GRCh37 (hg19) VCF-style: chr11-94203759-T-C.
Other names: c.895A>G, p.Ile299Val (NM_001440467.1, NM_001440468.1, NM_001440469.1 and 18 more transcripts); c.820A>G, p.Ile274Val (NM_001440471.1, NM_001440472.1, NM_001440479.1); c.550A>G, p.Ile184Val (NM_001440482.1, NM_001440483.1, NM_001440484.1); c.427A>G, p.Ile143Val (NM_001440485.1, NM_001440486.1, NM_001440487.1); short protein forms I274V, I143V, I184V, I299V.
Identifiers: ClinVar variation 4110077 (VCV004110077.1).

ClinVar aggregate classification (germline): Uncertain significance (1 of 4 stars; one submission).

Conditions:
Hereditary cancer-predisposing syndrome. Also called: Tumor predisposition; Neoplastic Syndromes, Hereditary; Hereditary neoplastic syndrome; Hereditary Cancer Syndrome. Identifiers: Orphanet 140162, MedGen C0027672, MeSH D009386, MONDO:0015356.

Submission:

Ambry Genetics
Classification: Uncertain significance for Hereditary cancer-predisposing syndrome. Last evaluated: 2025-07-03. Review status: criteria provided, single submitter. Criteria: Ambry Variant Classification Scheme 2023. Collection method: clinical testing. Allele origin: germline.
Comment: The p.I299V variant (also known as c.895A>G), located in coding exon 8 of the MRE11A gene, results from an A to G substitution at nucleotide position 895. The isoleucine at codon 299 is replaced by valine, an amino acid with highly similar properties. This amino acid position is conserved. In addition, the in silico prediction for this alteration is inconclusive. Based on the available evidence, the clinical significance of this variant remains unclear.